The following is an entry in ClinVar:

ClinVar aggregate classification (germline): Uncertain significance. Review status: criteria provided, multiple submitters, no conflicts (2 of 4 stars). 2 submissions from 2 submitters: Uncertain significance (2). Last evaluated 2025-10-03.

Conditions:
Hereditary cancer-predisposing syndrome. Also called: Neoplastic Syndromes, Hereditary; Hereditary Cancer Syndrome; Tumor predisposition; Hereditary neoplastic syndrome. Identifiers: Orphanet 140162, MedGen C0027672, MeSH D009386, MONDO:0015356.

gnomAD v4.1: 2 of 1,598,778 alleles (0.00013%); highest among the groups gnomAD compares: East Asian, 0.0045%; no homozygotes.

Submissions (2):

Labcorp Genetics (formerly Invitae), Labcorp
Classification: Uncertain significance. Last evaluated: 2025-10-03. Review status: criteria provided, single submitter. Criteria: Invitae Variant Classification Sherloc (09022015). Collection method: clinical testing. Allele origin: germline.
Comment: This sequence change replaces aspartic acid, which is acidic and polar, with histidine, which is basic and polar, at codon 490 of the POLE protein (p.Asp490His). This variant is not present in population databases (gnomAD no frequency). This variant has not been reported in the literature in individuals affected with POLE-related conditions. ClinVar contains an entry for this variant (Variation ID: 1472997). Invitae Evidence Modeling of protein sequence and biophysical properties (such as structural, functional, and spatial information, amino acid conservation, physicochemical variation, residue mobility, and thermodynamic stability) indicates that this missense variant is expected to disrupt POLE protein function with a positive predictive value of 80%. In summary, the available evidence is currently insufficient to determine the role of this variant in disease. Therefore, it has been classified as a Variant of Uncertain Significance.

Ambry Genetics
Classification: Uncertain significance for Hereditary cancer-predisposing syndrome. Last evaluated: 2025-04-30. Review status: criteria provided, single submitter. Criteria: Ambry Variant Classification Scheme 2023. Collection method: clinical testing. Allele origin: germline.

NM_006231.4(POLE):c.1468G>C (p.Asp490His)

Gene: POLE (DNA polymerase epsilon, catalytic subunit; minus strand). Cytogenetic location: 12q24.33.
Variant type: single nucleotide variant.
Coding change: c.1468G>C on transcript NM_006231.4 (MANE Select); coding-DNA position 1468, G replaced by C.
Protein change: p.Asp490His; replaces aspartic acid 490 with histidine.
Molecular consequence: missense variant.
Genome position (GRCh38, 1-based): chr12:132,673,169, C>G on the plus strand (G>C on the coding strand, the complement: POLE is on the minus strand). VCF-style: chr12-132673169-C-G. GRCh37 (hg19) VCF-style: chr12-133249755-C-G.
Other names: c.1468G>C (NM_006231.2); short protein forms D490H.
Identifiers: ClinVar variation 1472997 (VCV001472997.10), dbSNP rs755463796, ClinGen allele CA387358066.
Genomic context (GRCh38, chr12:132,673,169, plus strand): 5'-GGAATGGGGCAAGGGCTGAGGAGGCCAGGGTGCCGACAGGACAGATAATGCTCACCTCGT[C>G]GGGCTCCATGGGAATAATGGTGCACAGAGCAAAGATGAATGGGTGGACGTACTTCATGTA-3'
Protein context (NP_006222.2, residues 480-500): ALCTIIPMEP[Asp490His]EVLRKGSGTL